The following is an entry in ClinVar:

ClinVar aggregate classification (germline): Uncertain significance (1 of 4 stars; one submission).

Conditions:
Neuroblastoma, susceptibility to, 3. Also called: ALK-Related Neuroblastic Tumor Susceptibility. Identifiers: Orphanet 635, MedGen C2751681, MONDO:0013083, OMIM 613014.

Submission:

Labcorp Genetics (formerly Invitae), Labcorp
Classification: Uncertain significance for Neuroblastoma, susceptibility to, 3. Last evaluated: 2020-08-26. Review status: criteria provided, single submitter. Criteria: Invitae Variant Classification Sherloc (09022015). Collection method: clinical testing. Allele origin: germline.
Comment: This sequence change replaces glutamic acid with valine at codon 1384 of the ALK protein (p.Glu1384Val). The glutamic acid residue is highly conserved and there is a moderate physicochemical difference between glutamic acid and valine. This variant is not present in population databases (ExAC no frequency). This variant has not been reported in the literature in individuals with ALK-related conditions. Algorithms developed to predict the effect of missense changes on protein structure and function are either unavailable or do not agree on the potential impact of this missense change (SIFT: "Deleterious"; PolyPhen-2: "Benign"; Align-GVGD: "Class C0"). In summary, the available evidence is currently insufficient to determine the role of this variant in disease. Therefore, it has been classified as a Variant of Uncertain Significance.

NM_004304.5(ALK):c.4151A>T (p.Glu1384Val)

Gene: ALK (ALK receptor tyrosine kinase; minus strand). Cytogenetic location: 2p23.2.
Variant type: single nucleotide variant.
Coding change: c.4151A>T on transcript NM_004304.5 (MANE Select); coding-DNA position 4151, A replaced by T.
Protein change: p.Glu1384Val; replaces glutamic acid 1384 with valine.
Molecular consequence: missense variant.
Genome position (GRCh38, 1-based): chr2:29,196,783, T>A on the plus strand (A>T on the coding strand, the complement: ALK is on the minus strand). VCF-style: chr2-29196783-T-A. GRCh37 (hg19) VCF-style: chr2-29419649-T-A.
Other names: c.947A>T, p.Glu316Val (NM_001353765.2); short protein forms E1384V, E316V.
Identifiers: ClinVar variation 1011299 (VCV001011299.8), dbSNP rs1669032859, ClinGen allele CA346464864.
Genomic context (GRCh38, chr2:29,196,783, plus strand): 5'-CTGTTTCATATAGAGTAAATGTTGACCAAAGGGAGAAAATGTTTTACCTGGGTGCAGTAT[T>A]CAATCCTCTCCAAAATGATGGCAAAGTTGGGCCTGTCTTCAGGCTGATGTTGCCAGCACT-3'
Protein context (NP_004295.2, residues 1374-1394): PNFAIILERI[Glu1384Val]YCTQDPDVIN